The following is an entry in ClinVar:

ClinVar aggregate classification (germline): Uncertain significance. Review status: criteria provided, multiple submitters, no conflicts (2 of 4 stars). 2 submissions from 2 submitters: Uncertain significance (2). Last evaluated 2024-04-25.

Conditions:
Inborn genetic diseases. Identifiers: MedGen C0950123, MeSH D030342.
Compton-North congenital myopathy (CMYO12). Identifiers: Orphanet 210163, MedGen C2675527, MONDO:0012929, OMIM 612540.

Allele frequency attached by ClinVar (database versions not stated): TOPMed 0.00001.
gnomAD v4.1: 5 of 1,611,304 alleles (0.00031%); highest among the groups gnomAD compares: Middle Eastern, 0.033%; no homozygotes.

Submissions (2):

Labcorp Genetics (formerly Invitae), Labcorp
Classification: Uncertain significance for Compton-North congenital myopathy. Last evaluated: 2024-04-25. Review status: criteria provided, single submitter. Criteria: Invitae Variant Classification Sherloc (09022015). Collection method: clinical testing. Allele origin: germline.
Comment: This sequence change replaces valine, which is neutral and non-polar, with glycine, which is neutral and non-polar, at codon 832 of the CNTN1 protein (p.Val832Gly). This variant is not present in population databases (gnomAD no frequency). This variant has not been reported in the literature in individuals affected with CNTN1-related conditions. ClinVar contains an entry for this variant (Variation ID: 1005543). Advanced modeling of protein sequence and biophysical properties (such as structural, functional, and spatial information, amino acid conservation, physicochemical variation, residue mobility, and thermodynamic stability) performed at Invitae indicates that this missense variant is not expected to disrupt CNTN1 protein function with a negative predictive value of 95%. In summary, the available evidence is currently insufficient to determine the role of this variant in disease. Therefore, it has been classified as a Variant of Uncertain Significance.

Ambry Genetics
Classification: Uncertain significance for Inborn genetic diseases. Last evaluated: 2023-11-09. Review status: criteria provided, single submitter. Criteria: Ambry Variant Classification Scheme 2023. Collection method: clinical testing. Allele origin: germline.

NM_001843.4(CNTN1):c.2495T>G (p.Val832Gly)

Gene: CNTN1 (contactin 1; plus strand). Cytogenetic location: 12q12.
Variant type: single nucleotide variant.
Coding change: c.2495T>G on transcript NM_001843.4 (MANE Select); coding-DNA position 2495, T replaced by G.
Protein change: p.Val832Gly; replaces valine 832 with glycine.
Molecular consequence: missense variant.
Genome position (GRCh38, 1-based): chr12:41,020,412, T>G. VCF-style: chr12-41020412-T-G. GRCh37 (hg19) VCF-style: chr12-41414214-T-G.
Other names: c.2462T>G, p.Val821Gly (NM_175038.2); c.2495T>G (NM_001843.2); short protein forms V821G, V832G.
Identifiers: ClinVar variation 1005543 (VCV001005543.10), dbSNP rs780316987, ClinGen allele CA384587299.